The following is an entry in ClinVar:

ClinVar aggregate classification (germline): Likely pathogenic (1 of 4 stars; one submission).

Conditions:
Neuronal ceroid lipofuscinosis. Also called: Neuronal Ceroid Lipofuscinoses. Identifiers: Orphanet 216, Orphanet 79263, MedGen C0027877, MONDO:0016295. Disease mechanism: loss of function.

Submission:

Labcorp Genetics (formerly Invitae), Labcorp
Classification: Likely pathogenic for Neuronal ceroid lipofuscinosis. Last evaluated: 2022-08-21. Review status: criteria provided, single submitter. Criteria: Invitae Variant Classification Sherloc (09022015). Collection method: clinical testing. Allele origin: germline.
Comment: In summary, the currently available evidence indicates that the variant is pathogenic, but additional data are needed to prove that conclusively. Therefore, this variant has been classified as Likely Pathogenic. This variant disrupts the p.Arg204 amino acid residue in CLN8. Other variant(s) that disrupt this residue have been determined to be pathogenic (PMID: 11589000, 15024724, 25326637). This suggests that this residue is clinically significant, and that variants that disrupt this residue are likely to be disease-causing. Advanced modeling of protein sequence and biophysical properties (such as structural, functional, and spatial information, amino acid conservation, physicochemical variation, residue mobility, and thermodynamic stability) performed at Invitae indicates that this missense variant is expected to disrupt CLN8 protein function. This variant has not been reported in the literature in individuals affected with CLN8-related conditions. This variant is not present in population databases (gnomAD no frequency). This sequence change replaces arginine, which is basic and polar, with glycine, which is neutral and non-polar, at codon 204 of the CLN8 protein (p.Arg204Gly).

Literature cited by the submitters: PubMed 11589000; PubMed 15024724; PubMed 25326637.

NM_018941.4(CLN8):c.610C>G (p.Arg204Gly)

Gene: CLN8 (CLN8 transmembrane ER and ERGIC protein; plus strand). Cytogenetic location: 8p23.3.
Variant type: single nucleotide variant.
Coding change: c.610C>G on transcript NM_018941.4 (MANE Select); coding-DNA position 610, C replaced by G.
Protein change: p.Arg204Gly; replaces arginine 204 with glycine.
Molecular consequence: missense variant.
Genome position (GRCh38, 1-based): chr8:1,780,316, C>G. VCF-style: chr8-1780316-C-G. GRCh37 (hg19) VCF-style: chr8-1728482-C-G.
Other names: short protein forms R204G.
Identifiers: ClinVar variation 1919167 (VCV001919167.5), dbSNP rs104894060, ClinGen allele CA369953952.
Genomic context (GRCh38, chr8:1,780,316, plus strand): 5'-TGGTCCGAGTCTCTGTTTTGGAAGCTCAACCAGTGGCTGATGATTCACATGTTTCACTGC[C>G]GCATGGTTCTAACCTACCACATGTGGTGGGTGTGTTTCTGGCACTGGGACGGCCTGGTCA-3'
Protein context (NP_061764.2, residues 194-214): QWLMIHMFHC[Arg204Gly]MVLTYHMWWV